The following is an entry in ClinVar:

NM_018026.4(PACS1):c.2087C>T (p.Ser696Leu)

Gene: PACS1 (phosphofurin acidic cluster sorting protein 1; plus strand). Cytogenetic location: 11q13.2.
Variant type: single nucleotide variant.
Coding change: c.2087C>T on transcript NM_018026.4 (MANE Select); coding-DNA position 2087, C replaced by T.
Protein change: p.Ser696Leu; replaces serine 696 with leucine.
Molecular consequence: missense variant.
Genome position (GRCh38, 1-based): chr11:66,234,225, C>T. VCF-style: chr11-66234225-C-T. GRCh37 (hg19) VCF-style: chr11-66001696-C-T.
Other names: c.2087C>T (NM_018026.2); short protein forms S696L.
Identifiers: ClinVar variation 1204818 (VCV001204818.10), dbSNP rs764689853, ClinGen allele CA6116759.

ClinVar aggregate classification (germline): Conflicting classifications of pathogenicity. Review status: criteria provided, conflicting classifications (1 of 4 stars). 3 submissions from 3 submitters: Uncertain significance (1); Likely benign (2). Last evaluated 2025-05-10.

Conditions:
Schuurs-Hoeijmakers syndrome. Also called: PACS1-Related Neurodevelopmental Disorder. Identifiers: Orphanet 329224, MedGen C3554343, MONDO:0014006, OMIM 615009.
Inborn genetic diseases. Identifiers: MedGen C0950123, MeSH D030342.

Allele frequency attached by ClinVar (database versions not stated): ExAC 0.00002; gnomAD exomes 0.00002 and 0.00001; gnomAD 0.00003; TOPMed 0.00004.
gnomAD v4.1: 25 of 1,613,102 alleles (0.0015%); highest among the groups gnomAD compares: African/African-American, 0.008%; no homozygotes.

Submissions (3):

Labcorp Genetics (formerly Invitae), Labcorp
Classification: Uncertain significance for Schuurs-Hoeijmakers syndrome. Last evaluated: 2025-05-10. Review status: criteria provided, single submitter. Criteria: Invitae Variant Classification Sherloc (09022015). Collection method: clinical testing. Allele origin: germline.
Comment: This sequence change replaces serine, which is neutral and polar, with leucine, which is neutral and non-polar, at codon 696 of the PACS1 protein (p.Ser696Leu). This variant is present in population databases (rs764689853, gnomAD 0.008%). This variant has not been reported in the literature in individuals affected with PACS1-related conditions. ClinVar contains an entry for this variant (Variation ID: 1204818). Invitae Evidence Modeling of protein sequence and biophysical properties (such as structural, functional, and spatial information, amino acid conservation, physicochemical variation, residue mobility, and thermodynamic stability) indicates that this missense variant is not expected to disrupt PACS1 protein function with a negative predictive value of 80%. In summary, the available evidence is currently insufficient to determine the role of this variant in disease. Therefore, it has been classified as a Variant of Uncertain Significance.

Ambry Genetics
Classification: Likely benign for Inborn genetic diseases. Last evaluated: 2023-12-29. Review status: criteria provided, single submitter. Criteria: Ambry Variant Classification Scheme 2023. Collection method: clinical testing. Allele origin: germline.

GeneDx
Classification: Likely benign. Last evaluated: 2020-09-29. Review status: criteria provided, single submitter. Criteria: GeneDx Variant Classification Process June 2021. Collection method: clinical testing. Allele origin: germline. Affected: yes.
Comment: Has not been previously published as pathogenic or benign to our knowledge; In silico analysis supports that this missense variant does not alter protein structure/function